The following is an entry in ClinVar:

ClinVar aggregate classification (germline): Pathogenic (1 of 4 stars; one submission).

Conditions:
Fanconi anemia (FA). Also called: Fanconi's anemia. Identifiers: Orphanet 84, MedGen C0015625, MeSH D005199, MONDO:0019391.

Submission:

Labcorp Genetics (formerly Invitae), Labcorp
Classification: Pathogenic for Fanconi anemia. Last evaluated: 2022-11-28. Review status: criteria provided, single submitter. Criteria: Invitae Variant Classification Sherloc (09022015). Collection method: clinical testing. Allele origin: germline.
Comment: This sequence change creates a premature translational stop signal (p.Ser752*) in the FANCM gene. It is expected to result in an absent or disrupted protein product. Loss-of-function variants in FANCM are known to be pathogenic (PMID: 29895858, 30075111). This variant is not present in population databases (gnomAD no frequency). This variant has not been reported in the literature in individuals affected with FANCM-related conditions. ClinVar contains an entry for this variant (Variation ID: 1072113). For these reasons, this variant has been classified as Pathogenic.

Literature cited by the submitters: PubMed 29895858; PubMed 30075111.

NM_020937.4(FANCM):c.2255C>G (p.Ser752Ter)

Gene: FANCM (FA complementation group M; plus strand). Cytogenetic location: 14q21.2.
Variant type: single nucleotide variant.
Coding change: c.2255C>G on transcript NM_020937.4 (MANE Select); coding-DNA position 2255, C replaced by G.
Protein change: p.Ser752Ter; replaces serine 752 with a stop codon.
Molecular consequence: nonsense.
Genome position (GRCh38, 1-based): chr14:45,173,149, C>G. VCF-style: chr14-45173149-C-G. GRCh37 (hg19) VCF-style: chr14-45642352-C-G.
Other names: c.2177C>G, p.Ser726Ter (NM_001308133.2); short protein forms S726*, S752*.
Identifiers: ClinVar variation 1072113 (VCV001072113.7), dbSNP rs1888447684, ClinGen allele CA389596787.
Genomic context (GRCh38, chr14:45,173,149, plus strand): 5'-CTCTCTCTGAATGGAGACTGTGGCAAGATCATCCTTTGCCTACACATCAAGTTGATCACT[C>G]AGATCGATGCCGCCATTTTATAGGCCTTATGCAAATGATAGAGGGAATGAGACACGAAGA-3'